The following is an entry in ClinVar:

NM_005869.4(CWC27):c.1066G>C (p.Ala356Pro)

Gene: CWC27 (CWC27 spliceosome associated cyclophilin; plus strand). Cytogenetic location: 5q12.3.
Variant type: single nucleotide variant.
Coding change: c.1066G>C on transcript NM_005869.4 (MANE Select); coding-DNA position 1066, G replaced by C.
Protein change: p.Ala356Pro; replaces alanine 356 with proline.
Molecular consequence: missense variant.
Genome position (GRCh38, 1-based): chr5:64,971,726, G>C. VCF-style: chr5-64971726-G-C. GRCh37 (hg19) VCF-style: chr5-64267553-G-C.
Other names: c.1066G>C, p.Ala356Pro (NM_001297644.1); short protein forms A356P.
Identifiers: ClinVar variation 1020212 (VCV001020212.9), dbSNP rs751813292, ClinGen allele CA3282207.

ClinVar aggregate classification (germline): Uncertain significance. Review status: criteria provided, multiple submitters, no conflicts (2 of 4 stars). 2 submissions from 2 submitters: Uncertain significance (2). Last evaluated 2022-02-17.

Allele frequency attached by ClinVar (database versions not stated): ExAC 0.00001; gnomAD exomes 0.00001 and 0.00003; gnomAD 0.00002; TOPMed 0.00002.
gnomAD v4.1: 49 of 1,609,090 alleles (0.003%); highest among the groups gnomAD compares: Non-Finnish European, 0.004%; no homozygotes.

Submissions (2):

Labcorp Genetics (formerly Invitae), Labcorp
Classification: Uncertain significance. Last evaluated: 2022-02-17. Review status: criteria provided, single submitter. Criteria: Invitae Variant Classification Sherloc (09022015). Collection method: clinical testing. Allele origin: germline.
Comment: This sequence change replaces alanine, which is neutral and non-polar, with proline, which is neutral and non-polar, at codon 356 of the CWC27 protein (p.Ala356Pro). This variant is present in population databases (rs751813292, gnomAD 0.003%). This variant has not been reported in the literature in individuals affected with CWC27-related conditions. ClinVar contains an entry for this variant (Variation ID: 1020212). Algorithms developed to predict the effect of missense changes on protein structure and function (SIFT, PolyPhen-2, Align-GVGD) all suggest that this variant is likely to be tolerated. In summary, the available evidence is currently insufficient to determine the role of this variant in disease. Therefore, it has been classified as a Variant of Uncertain Significance.

Blueprint Genetics
Classification: Uncertain significance. Last evaluated: 2021-08-24. Review status: criteria provided, single submitter. Criteria: ACMG Guidelines, 2015. Collection method: clinical testing. Allele origin: germline.